The following is an entry in ClinVar:

ClinVar aggregate classification (germline): Uncertain significance. Review status: criteria provided, multiple submitters, no conflicts (2 of 4 stars). 3 submissions from 3 submitters: Uncertain significance (3). Last evaluated 2025-09-24.

Conditions:
Inborn genetic diseases. Identifiers: MedGen C0950123, MeSH D030342.
Charcot-Marie-Tooth disease axonal type 2O. Also called: CHARCOT-MARIE-TOOTH NEUROPATHY, AXONAL, TYPE 2O; CHARCOT-MARIE-TOOTH DISEASE, AXONAL, AUTOSOMAL DOMINANT, TYPE 2O; Charcot-Marie-Tooth disease, axonal, type 20; Charcot-Marie-Tooth Neuropathy Type 2O. Identifiers: Orphanet 284232, MedGen C3280220, MONDO:0013644, OMIM 614228.

Allele frequency attached by ClinVar (database versions not stated): TOPMed below 0.00001; gnomAD 0.00001; gnomAD exomes 0.00001 and 0.00002; ExAC 0.00002.
gnomAD v4.1: 5 of 1,614,116 alleles (0.00031%); highest among the groups gnomAD compares: Admixed American, 0.005%; no homozygotes.

Submissions (3):

Labcorp Genetics (formerly Invitae), Labcorp
Classification: Uncertain significance for Charcot-Marie-Tooth disease axonal type 2O. Last evaluated: 2025-09-24. Review status: criteria provided, single submitter. Criteria: Invitae Variant Classification Sherloc (09022015). Collection method: clinical testing. Allele origin: germline.
Comment: This sequence change replaces tyrosine, which is neutral and polar, with histidine, which is basic and polar, at codon 332 of the DYNC1H1 protein (p.Tyr332His). This variant is present in population databases (rs764842673, gnomAD 0.006%). This variant has not been reported in the literature in individuals affected with DYNC1H1-related conditions. ClinVar contains an entry for this variant (Variation ID: 1369872). Invitae Evidence Modeling of protein sequence and biophysical properties (such as structural, functional, and spatial information, amino acid conservation, physicochemical variation, residue mobility, and thermodynamic stability) indicates that this missense variant is expected to disrupt DYNC1H1 protein function with a positive predictive value of 95%. In summary, the available evidence is currently insufficient to determine the role of this variant in disease. Therefore, it has been classified as a Variant of Uncertain Significance.

GeneDx
Classification: Uncertain significance. Last evaluated: 2024-10-29. Review status: criteria provided, single submitter. Criteria: GeneDx Variant Classification Process June 2021. Collection method: clinical testing. Allele origin: germline. Affected: yes.
Comment: In silico analysis supports that this missense variant has a deleterious effect on protein structure/function; Has not been previously published as pathogenic or benign to our knowledge; This variant is associated with the following publications: (PMID: 25512093, 25609763, 26100331)

Ambry Genetics
Classification: Uncertain significance for Inborn genetic diseases. Last evaluated: 2024-03-21. Review status: criteria provided, single submitter. Criteria: Ambry Variant Classification Scheme 2023. Collection method: clinical testing. Allele origin: germline.

NM_001376.5(DYNC1H1):c.994T>C (p.Tyr332His)

Gene: DYNC1H1 (dynein cytoplasmic 1 heavy chain 1; plus strand). Cytogenetic location: 14q32.31.
Variant type: single nucleotide variant.
Coding change: c.994T>C on transcript NM_001376.5 (MANE Select); coding-DNA position 994, T replaced by C.
Protein change: p.Tyr332His; replaces tyrosine 332 with histidine.
Molecular consequence: missense variant.
Genome position (GRCh38, 1-based): chr14:101,983,051, T>C. VCF-style: chr14-101983051-T-C. GRCh37 (hg19) VCF-style: chr14-102449388-T-C.
Other names: short protein forms Y332H.
Identifiers: ClinVar variation 1369872 (VCV001369872.10), dbSNP rs764842673, ClinGen allele CA7351627.